The following is an entry in ClinVar:

ClinVar aggregate classification (germline): Pathogenic (1 of 4 stars; one submission).

Submission:

Labcorp Genetics (formerly Invitae), Labcorp
Classification: Pathogenic. Last evaluated: 2021-11-07. Review status: criteria provided, single submitter. Criteria: Invitae Variant Classification Sherloc (09022015). Collection method: clinical testing. Allele origin: germline.
Comment: This sequence change creates a premature translational stop signal (p.Asp4953Glyfs*48) in the USH2A gene. It is expected to result in an absent or disrupted protein product. Loss-of-function variants in USH2A are known to be pathogenic (PMID: 10729113, 10909849, 20507924, 25649381). This variant is not present in population databases (gnomAD no frequency). This variant has not been reported in the literature in individuals affected with USH2A-related conditions. For these reasons, this variant has been classified as Pathogenic.

Literature cited by the submitters: PubMed 10729113; PubMed 10909849; PubMed 20507924; PubMed 25649381.

NM_206933.4(USH2A):c.14857dup (p.Asp4953fs)

Gene: USH2A (usherin; minus strand). Cytogenetic location: 1q41.
Variant type: Duplication.
Coding change: c.14857dup on transcript NM_206933.4 (MANE Select); coding-DNA position 14857, one base duplicated (G; older notation c.14857dupG).
Protein change: p.Asp4953fs; shifts the reading frame from aspartic acid 4953.
Molecular consequence: frameshift variant.
Genome position (GRCh38, 1-based): chr1:215,640,669, C duplicated on the plus strand (G on the coding strand, the reverse complement: USH2A is on the minus strand). VCF-style (leftmost placement, unchanged base first): chr1-215640668-T-TC. GRCh37 (hg19) VCF-style: chr1-215814010-T-TC.
Other names: short protein forms D4953fs.
Identifiers: ClinVar variation 1455509 (VCV001455509.6), dbSNP rs2102636047, ClinGen allele CA2573131535.